The following is an entry in ClinVar:

ClinVar aggregate classification (germline): Pathogenic (1 of 4 stars; one submission).

Conditions:
Autosomal recessive polycystic kidney disease (ARPKD). Also called: AR polycystic kidney disease. Identifiers: Orphanet 731, Orphanet 8378, MedGen C0085548, MeSH D017044, MONDO:0009889.

Submission:

Labcorp Genetics (formerly Invitae), Labcorp
Classification: Pathogenic for Autosomal recessive polycystic kidney disease. Last evaluated: 2022-10-07. Review status: criteria provided, single submitter. Criteria: Invitae Variant Classification Sherloc (09022015). Collection method: clinical testing. Allele origin: germline.
Comment: This variant is a gross deletion of the genomic region encompassing exon(s) 51 of the PKHD1 gene. This variant would be expected to be in-frame, preserving the integrity of the reading frame. A similar copy number variant has been observed in individual(s) with polycystic kidney disease (Invitae). In at least one individual the data is consistent with being in trans (on the opposite chromosome) from a pathogenic variant. For these reasons, this variant has been classified as Pathogenic.

NC_000006.11:g.(?_51701182)_(51701287_?)del

Gene: PKHD1 (PKHD1 ciliary IPT domain containing fibrocystin/polyductin; minus strand). Cytogenetic location: 6p12.3.
Variant type: Deletion.
Identifiers: ClinVar variation 2427264 (VCV002427264.4).